The following is an entry in ClinVar:

ClinVar aggregate classification (germline): Likely benign (1 of 4 stars; one submission).

Conditions:
Hereditary retinoblastoma. Identifiers: Orphanet 357027, MedGen C0751483, MONDO:0018160.

Submission:

Ramesar Group, Division of Human Genetics, Institute of Infectious Diseases and Molecular Medicine, UCT/MRC Genomic and Precision Medicine Research Unit, University of Cape Town
Classification: Likely benign for Hereditary retinoblastoma. Last evaluated: 2025-09-17. Review status: criteria provided, single submitter. Criteria: ACMG Guidelines, 2015. Collection method: research. Allele origin: germline. Affected: no.
Comment: BP5 - Variant found in a patient with a different retinal disease; RB1 is not associated with the phenotype BP7 - A synonymous variant with no predicted effect on splicing (SpliceAI scores are negligible)

NM_000321.3(RB1):c.1041T>G (p.Ser347=)

Gene: RB1 (RB transcriptional corepressor 1; plus strand). Cytogenetic location: 13q14.2.
Variant type: single nucleotide variant.
Coding change: c.1041T>G on transcript NM_000321.3 (MANE Select); coding-DNA position 1041, T replaced by G.
Protein change: p.Ser347=; no amino-acid change (serine 347 retained).
Molecular consequence: synonymous variant.
Genome position (GRCh38, 1-based): chr13:48,367,595, T>G. VCF-style: chr13-48367595-T-G. GRCh37 (hg19) VCF-style: chr13-48941731-T-G.
Other names: c.1041T>G, p.Ser347= (NM_001407165.1, NM_001407166.1).
Identifiers: ClinVar variation 4759370 (VCV004759370.1).
Genomic context (GRCh38, chr13:48,367,595, plus strand): 5'-AAATAAAGATCTAGATGCAAGATTATTTTTGGATCATGATAAAACTCTTCAGACTGATTC[T>G]ATAGACAGGTATTGCACATGGTATATTTGATTGATTTGCTTTAGATATAGGTTGATACTG-3'
Protein context (NP_000312.2, residues 337-357): LDHDKTLQTD[Ser347=]IDSFETQRTP